The following is an entry in ClinVar:

NM_001375524.1(TRRAP):c.5622C>T (p.Pro1874=)

Gene: TRRAP (transformation/transcription domain associated protein; plus strand). Cytogenetic location: 7q22.1.
Variant type: single nucleotide variant.
Coding change: c.5622C>T on transcript NM_001375524.1 (MANE Select); coding-DNA position 5622, C replaced by T.
Protein change: p.Pro1874=; no amino-acid change (proline 1874 retained).
Molecular consequence: synonymous variant.
Genome position (GRCh38, 1-based): chr7:98,953,325, C>T. VCF-style: chr7-98953325-C-T. GRCh37 (hg19) VCF-style: chr7-98550948-C-T.
Other names: c.5601C>T, p.Pro1867= (NM_001244580.2); c.5547C>T, p.Pro1849= (NM_003496.4).
Identifiers: ClinVar variation 2718429 (VCV002718429.7), dbSNP rs368194276, ClinGen allele CA4360616.
Genomic context (GRCh38, chr7:98,953,325, plus strand): 5'-CCATGACAACAACAAGAACCGCAACAGCAAGCTGCGCCGCCTCATGACCTTCGCCTGGCC[C>T]TGCCTGCTCTCCAAGGCCTGCGTGGACCCAGCCTGCAAGTACAGCGGACACTTGCTCCTG-3'
Protein context (NP_001362453.1, residues 1864-1884): KLRRLMTFAW[Pro1874=]CLLSKACVDP

ClinVar aggregate classification (germline): Likely benign. Review status: criteria provided, multiple submitters, no conflicts (2 of 4 stars). 2 submissions from 2 submitters: Likely benign (2). Last evaluated 2026-02-01.

Allele frequency attached by ClinVar (database versions not stated): gnomAD exomes below 0.00001; ExAC 0.00002; ESP Exome Variant Server 0.00008.
gnomAD v4.1: 4 of 1,613,920 alleles (0.00025%); highest among the groups gnomAD compares: Admixed American, 0.005%; no homozygotes.

Submissions (2):

CeGaT Center for Human Genetics Tuebingen
Classification: Likely benign. Last evaluated: 2026-02-01. Review status: criteria provided, single submitter. Criteria: CeGaT Center For Human Genetics Tuebingen Variant Classification Criteria Version 2. Collection method: clinical testing. Allele origin: germline. Affected: yes. Observed: 1 variant allele.
Comment: TRRAP: BP4, BP7

Labcorp Genetics (formerly Invitae), Labcorp
Classification: Likely benign. Last evaluated: 2025-09-02. Review status: criteria provided, single submitter. Criteria: Invitae Variant Classification Sherloc (09022015). Collection method: clinical testing. Allele origin: germline.